The following is an entry in ClinVar:

NM_004525.3(LRP2):c.2663A>T (p.Asp888Val)

Gene: LRP2 (LDL receptor related protein 2; minus strand). Cytogenetic location: 2q31.1.
Variant type: single nucleotide variant.
Coding change: c.2663A>T on transcript NM_004525.3 (MANE Select); coding-DNA position 2663, A replaced by T.
Protein change: p.Asp888Val; replaces aspartic acid 888 with valine.
Molecular consequence: missense variant.
Genome position (GRCh38, 1-based): chr2:169,256,213, T>A on the plus strand (A>T on the coding strand, the complement: LRP2 is on the minus strand). VCF-style: chr2-169256213-T-A. GRCh37 (hg19) VCF-style: chr2-170112723-T-A.
Other names: short protein forms D888V.
Identifiers: ClinVar variation 2119009 (VCV002119009.4), dbSNP rs2528424430, ClinGen allele CA349155605.

ClinVar aggregate classification (germline): Uncertain significance (1 of 4 stars; one submission).

Allele frequency attached by ClinVar (database versions not stated): gnomAD exomes below 0.00001.
gnomAD v4.1: 3 of 1,612,882 alleles (0.00019%); highest among the groups gnomAD compares: Non-Finnish European, 0.00025%; no homozygotes.

Submission:

Labcorp Genetics (formerly Invitae), Labcorp
Classification: Uncertain significance. Last evaluated: 2025-09-02. Review status: criteria provided, single submitter. Criteria: Invitae Variant Classification Sherloc (09022015). Collection method: clinical testing. Allele origin: germline.
Comment: This sequence change replaces aspartic acid, which is acidic and polar, with valine, which is neutral and non-polar, at codon 888 of the LRP2 protein (p.Asp888Val). This variant is not present in population databases (gnomAD no frequency). This variant has not been reported in the literature in individuals affected with LRP2-related conditions. ClinVar contains an entry for this variant (Variation ID: 2119009). Invitae Evidence Modeling of protein sequence and biophysical properties (such as structural, functional, and spatial information, amino acid conservation, physicochemical variation, residue mobility, and thermodynamic stability) indicates that this missense variant is expected to disrupt LRP2 protein function with a positive predictive value of 80%. In summary, the available evidence is currently insufficient to determine the role of this variant in disease. Therefore, it has been classified as a Variant of Uncertain Significance.